The following is an entry in ClinVar:

NM_001365276.2(TNXB):c.4918A>G (p.Lys1640Glu)

Gene: TNXB (tenascin XB; minus strand). Cytogenetic location: 6p21.33.
Variant type: single nucleotide variant.
Coding change: c.4918A>G on transcript NM_001365276.2 (MANE Select); coding-DNA position 4918, A replaced by G.
Protein change: p.Lys1640Glu; replaces lysine 1640 with glutamic acid.
Molecular consequence: missense variant.
Genome position (GRCh38, 1-based): chr6:32,072,062, T>C on the plus strand (A>G on the coding strand, the complement: TNXB is on the minus strand). VCF-style: chr6-32072062-T-C. GRCh37 (hg19) VCF-style: chr6-32039839-T-C.
Other names: c.4918A>G, p.Lys1640Glu (NM_019105.8); short protein forms K1640E.
Identifiers: ClinVar variation 1744089 (VCV001744089.3), dbSNP rs374991528, ClinGen allele CA136889852.
Genomic context (GRCh38, chr6:32,072,062, plus strand): 5'-CCACAGAGACTGGGCTGCGTCGTTTCCCATCCTGGATCCCAAAGAGCAGGAACTTGTACT[T>C]GCGGGAGGGTTCCAGGTCAGGGATAGTGACCTCCCGCTGATCTGCAGCCACGGGCACCAC-3'
Protein context (NP_001352205.1, residues 1630-1650): VTIPDLEPSR[Lys1640Glu]YKFLLFGIQD

ClinVar aggregate classification (germline): Uncertain significance (1 of 4 stars; one submission).

Conditions:
Cardiovascular phenotype. Identifiers: MedGen CN230736.

Allele frequency attached by ClinVar (database versions not stated): gnomAD 0.00001; ESP Exome Variant Server 0.00008.
gnomAD v4.1: 8 of 1,612,516 alleles (0.0005%); highest among the groups gnomAD compares: African/African-American, 0.0027%; no homozygotes.

Submission:

Ambry Genetics
Classification: Uncertain significance for Cardiovascular phenotype. Last evaluated: 2025-07-25. Review status: criteria provided, single submitter. Criteria: Ambry Variant Classification Scheme 2023. Collection method: clinical testing. Allele origin: germline.
Comment: The p.K1640E variant (also known as c.4918A>G), located in coding exon 12 of the TNXB gene, results from an A to G substitution at nucleotide position 4918. The lysine at codon 1640 is replaced by glutamic acid, an amino acid with similar properties. This amino acid position is conserved. In addition, this alteration is predicted to be tolerated by in silico analysis. Since supporting evidence is limited at this time, the clinical significance of this alteration remains unclear.